The following is an entry in ClinVar:

NM_001940.4(ATN1):c.3353T>C (p.Leu1118Pro)

Gene: ATN1 (atrophin 1; plus strand). Cytogenetic location: 12p13.31.
Variant type: single nucleotide variant.
Coding change: c.3353T>C on transcript NM_001940.4 (MANE Select); coding-DNA position 3353, T replaced by C.
Protein change: p.Leu1118Pro; replaces leucine 1118 with proline.
Molecular consequence: missense variant.
Genome position (GRCh38, 1-based): chr12:6,941,018, T>C. VCF-style: chr12-6941018-T-C. GRCh37 (hg19) VCF-style: chr12-7050181-T-C.
Other names: c.3353T>C, p.Leu1118Pro (NM_001007026.2, NM_001424176.1, NM_001424177.1 and 1 more transcripts); c.3350T>C, p.Leu1117Pro (NM_001424179.1, NM_001424180.1); short protein forms L1117P, L1118P.
Identifiers: ClinVar variation 4086436 (VCV004086436.1).
Genomic context (GRCh38, chr12:6,941,018, plus strand): 5'-CTCTCCCTAACCCCCTGCTTCCTCACCCTCTGCACGAGAACGAAGTTCTTCGTCACCAGC[T>C]CTTTGGTAAGGATGGAAGTTGGGGTAGGCAGCTCCAATGAGAAAAGGGCAGAAAGGAGGT-3'
Protein context (NP_001931.2, residues 1108-1128): LHENEVLRHQ[Leu1118Pro]FAAPYRDLPA

ClinVar aggregate classification (germline): Uncertain significance (1 of 4 stars; one submission).

Submission:

GeneDx
Classification: Uncertain significance. Last evaluated: 2025-03-22. Review status: criteria provided, single submitter. Criteria: GeneDx Variant Classification Process June 2021. Collection method: clinical testing. Allele origin: germline. Affected: yes.
Comment: Not observed at significant frequency in large population cohorts (gnomAD); In silico analysis supports that this missense variant has a deleterious effect on protein structure/function; Has not been previously published as pathogenic or benign to our knowledge